The following is an entry in ClinVar:

ClinVar aggregate classification (germline): Likely benign. Review status: criteria provided, multiple submitters, no conflicts (2 of 4 stars). 3 submissions from 3 submitters: Likely benign (3). Last evaluated 2025-12-08.

Conditions:
Hereditary cancer-predisposing syndrome. Also called: Neoplastic Syndromes, Hereditary; Tumor predisposition; Hereditary Cancer Syndrome; Hereditary neoplastic syndrome. Identifiers: Orphanet 140162, MedGen C0027672, MeSH D009386, MONDO:0015356.
Familial cancer of breast. Also called: BREAST CANCER, FAMILIAL; Hereditary breast cancer; hereditary breast carcinoma. Identifiers: Orphanet 227535, MedGen C0346153, MONDO:0016419, OMIM 114480. Disease mechanism: loss of function.

Allele frequency attached by ClinVar (database versions not stated): gnomAD exomes below 0.00001; TOPMed below 0.00001.
gnomAD v4.1: 7 of 1,609,052 alleles (0.00044%); highest among the groups gnomAD compares: Non-Finnish European, 0.00051%; no homozygotes.

Submissions (3):

Labcorp Genetics (formerly Invitae), Labcorp
Classification: Likely benign for Familial cancer of breast. Last evaluated: 2025-12-08. Review status: criteria provided, single submitter. Criteria: Invitae Variant Classification Sherloc (09022015). Collection method: clinical testing. Allele origin: germline.

Myriad Genetics, Inc.
Classification: Likely benign for Familial cancer of breast. Last evaluated: 2025-01-17. Review status: criteria provided, single submitter. Criteria: Myriad Autosomal Dominant, Autosomal Recessive and X-Linked Classification Criteria (2023). Collection method: clinical testing. Allele origin: unknown.
Comment: This variant is considered likely benign. This variant is intronic and is not expected to impact mRNA splicing.

Color Diagnostics, LLC DBA Color Health
Classification: Likely benign for Hereditary cancer-predisposing syndrome. Last evaluated: 2019-01-07. Review status: criteria provided, single submitter. Criteria: ACMG Guidelines, 2015. Collection method: clinical testing. Allele origin: germline.

NM_024675.4(PALB2):c.2835-18T>C

Gene: PALB2 (partner and localizer of BRCA2; minus strand). Cytogenetic location: 16p12.2.
Variant type: single nucleotide variant.
Coding change: c.2835-18T>C on transcript NM_024675.4 (MANE Select); 18 bases into the intron before coding-DNA position 2835, T replaced by C.
Molecular consequence: intron variant.
Genome position (GRCh38, 1-based): chr16:23,623,148, A>G on the plus strand (T>C on the coding strand, the complement: PALB2 is on the minus strand). VCF-style: chr16-23623148-A-G. GRCh37 (hg19) VCF-style: chr16-23634469-A-G.
Identifiers: ClinVar variation 925911 (VCV000925911.8), dbSNP rs1966806281, ClinGen allele CA913188713.